The following is an entry in ClinVar:

ClinVar aggregate classification (germline): Uncertain significance. Review status: criteria provided, multiple submitters, no conflicts (2 of 4 stars). 2 submissions from 2 submitters: Uncertain significance (2). Last evaluated 2024-03-10.

Conditions:
Cardiomyopathy (CMYO). Also called: Cardiomyopathies. Identifiers: Orphanet 167848, MedGen C0878544, MONDO:0004994, HP:0001638. Inheritance: Various modes of inheritance.
Arrhythmogenic right ventricular dysplasia 11. Also called: Arrhythmogenic right ventricular dysplasia 11 with mild palmoplantar keratoderma and woolly hair; Arrhythmogenic Right Ventricular Dysplasia/Cardiomyopathy11; ARRHYTHMOGENIC RIGHT VENTRICULAR DYSPLASIA, FAMILIAL, 11. Identifiers: MedGen C1864850, MONDO:0012506, OMIM 610476.

Allele frequency attached by ClinVar (database versions not stated): 1000 Genomes Project 30x 0.00031; gnomAD exomes below 0.00001.

Submissions (2):

Color Diagnostics, LLC DBA Color Health
Classification: Uncertain significance for Cardiomyopathy. Last evaluated: 2024-03-10. Review status: criteria provided, single submitter. Criteria: ACMG Guidelines, 2015. Collection method: clinical testing. Allele origin: germline.
Comment: This missense variant replaces proline with leucine at codon 6 of the DSC2 protein. Computational prediction suggests that this variant may not impact protein structure and function (internally defined REVEL score threshold <= 0.5, PMID: 27666373). To our knowledge, functional studies have not been reported for this variant. This variant has not been reported in individuals affected with DSC2-related disorders in the literature. This variant has not been identified in the general population by the Genome Aggregation Database (gnomAD). The available evidence is insufficient to determine the role of this variant in disease conclusively. Therefore, this variant is classified as a Variant of Uncertain Significance.

Labcorp Genetics (formerly Invitae), Labcorp
Classification: Uncertain significance for Arrhythmogenic right ventricular dysplasia 11. Last evaluated: 2022-10-13. Review status: criteria provided, single submitter. Criteria: Invitae Variant Classification Sherloc (09022015). Collection method: clinical testing. Allele origin: germline.
Comment: Algorithms developed to predict the effect of missense changes on protein structure and function (SIFT, PolyPhen-2, Align-GVGD) all suggest that this variant is likely to be tolerated. In summary, the available evidence is currently insufficient to determine the role of this variant in disease. Therefore, it has been classified as a Variant of Uncertain Significance. ClinVar contains an entry for this variant (Variation ID: 1504499). This variant has not been reported in the literature in individuals affected with DSC2-related conditions. This variant is not present in population databases (gnomAD no frequency). This sequence change replaces proline, which is neutral and non-polar, with leucine, which is neutral and non-polar, at codon 6 of the DSC2 protein (p.Pro6Leu).

NM_024422.6(DSC2):c.17C>T (p.Pro6Leu)

Genes: DSC2 (desmocollin 2; minus strand), DSCAS (DSC1/DSC2 antisense RNA; plus strand). Cytogenetic location: 18q12.1.
Variant type: single nucleotide variant.
Coding change: c.17C>T on transcript NM_024422.6 (MANE Select); coding-DNA position 17, C replaced by T.
Protein change: p.Pro6Leu; replaces proline 6 with leucine.
Molecular consequence: missense variant.
Genome position (GRCh38, 1-based): chr18:31,101,955, G>A on the plus strand (C>T on the coding strand, the complement: DSC2 is on the minus strand). VCF-style: chr18-31101955-G-A. GRCh37 (hg19) VCF-style: chr18-28681918-G-A.
Other names: c.17C>T, p.Pro6Leu (NM_004949.5); short protein forms P6L.
Identifiers: ClinVar variation 1504499 (VCV001504499.7), dbSNP rs1378826078, ClinGen allele CA402115301.